The following is an entry in ClinVar:

ClinVar aggregate classification (germline): Uncertain significance. Review status: criteria provided, multiple submitters, no conflicts (2 of 4 stars). 2 submissions from 2 submitters: Uncertain significance (2). Last evaluated 2025-01-27.

Conditions:
Inborn genetic diseases. Identifiers: MedGen C0950123, MeSH D030342.

Allele frequency attached by ClinVar (database versions not stated): gnomAD 0.00001; TOPMed 0.00001.
gnomAD v4.1: 1 of 1,613,794 alleles (0.000062%); highest among the groups gnomAD compares: African/African-American, 0.0013%; no homozygotes.

Submissions (2):

Labcorp Genetics (formerly Invitae), Labcorp
Classification: Uncertain significance. Last evaluated: 2025-01-27. Review status: criteria provided, single submitter. Criteria: Invitae Variant Classification Sherloc (09022015). Collection method: clinical testing. Allele origin: germline.
Comment: This sequence change replaces threonine, which is neutral and polar, with proline, which is neutral and non-polar, at codon 1769 of the MYO5B protein (p.Thr1769Pro). This variant is not present in population databases (gnomAD no frequency). This variant has not been reported in the literature in individuals affected with MYO5B-related conditions. ClinVar contains an entry for this variant (Variation ID: 1959352). Invitae Evidence Modeling of protein sequence and biophysical properties (such as structural, functional, and spatial information, amino acid conservation, physicochemical variation, residue mobility, and thermodynamic stability) indicates that this missense variant is not expected to disrupt MYO5B protein function with a negative predictive value of 80%. In summary, the available evidence is currently insufficient to determine the role of this variant in disease. Therefore, it has been classified as a Variant of Uncertain Significance.

Ambry Genetics
Classification: Uncertain significance for Inborn genetic diseases. Last evaluated: 2024-11-20. Review status: criteria provided, single submitter. Criteria: Ambry Variant Classification Scheme 2023. Collection method: clinical testing. Allele origin: germline.

NM_001080467.3(MYO5B):c.5305A>C (p.Thr1769Pro)

Genes: MYO5B (myosin VB; minus strand), SNHG22 (small nucleolar RNA host gene 22; plus strand). Cytogenetic location: 18q21.1.
Variant type: single nucleotide variant.
Coding change: c.5305A>C on transcript NM_001080467.3 (MANE Select); coding-DNA position 5305, A replaced by C.
Protein change: p.Thr1769Pro; replaces threonine 1769 with proline.
Molecular consequence: missense variant.
Genome position (GRCh38, 1-based): chr18:49,836,719, T>G on the plus strand (A>C on the coding strand, the complement: MYO5B is on the minus strand). VCF-style: chr18-49836719-T-G. GRCh37 (hg19) VCF-style: chr18-47363089-T-G.
Other names: c.5305A>C (NM_001080467.2); short protein forms T1769P.
Identifiers: ClinVar variation 1959352 (VCV001959352.6), dbSNP rs1419668154, ClinGen allele CA402419792.